The following is an entry in ClinVar:

NM_004656.4(BAP1):c.1495A>G (p.Ile499Val)

Gene: BAP1 (BRCA1 associated deubiquitinase 1; minus strand). Cytogenetic location: 3p21.1.
Variant type: single nucleotide variant.
Coding change: c.1495A>G on transcript NM_004656.4 (MANE Select); coding-DNA position 1495, A replaced by G.
Protein change: p.Ile499Val; replaces isoleucine 499 with valine.
Molecular consequence: missense variant.
Genome position (GRCh38, 1-based): chr3:52,403,650, T>C on the plus strand (A>G on the coding strand, the complement: BAP1 is on the minus strand). VCF-style: chr3-52403650-T-C. GRCh37 (hg19) VCF-style: chr3-52437666-T-C.
Other names: short protein forms I499V.
Identifiers: ClinVar variation 1019014 (VCV001019014.10), dbSNP rs775760293, ClinGen allele CA2436793.
Genomic context (GRCh38, chr3:52,403,650, plus strand): 5'-GCCGCGTCGGGTTGGCTGAGCGGATAGGCGAGCGCAGTGGCGAGTTGAAAGCACTGCCGA[T>C]CTCAGAGGCCGTGTCTGTACTCTCATTGCTGGGGGTGGGTGAGGGCTGCGAGTGTGTGGG-3'
Protein context (NP_004647.1, residues 489-509): SNESTDTASE[Ile499Val]GSAFNSPLRS

ClinVar aggregate classification (germline): Conflicting classifications of pathogenicity. Review status: criteria provided, conflicting classifications (1 of 4 stars). 4 submissions from 4 submitters: Uncertain significance (2); Likely benign (2). Last evaluated 2025-12-22.

Conditions:
Hereditary cancer-predisposing syndrome. Also called: Tumor predisposition; Neoplastic Syndromes, Hereditary; Hereditary neoplastic syndrome; Hereditary Cancer Syndrome. Identifiers: Orphanet 140162, MedGen C0027672, MeSH D009386, MONDO:0015356.
BAP1-related tumor predisposition syndrome (TPDS1). Also called: TUMOR PREDISPOSITION SYNDROME 1; COMMON Syndrome; Tumor susceptibility linked to germline BAP1 mutations; BAP1 tumor predisposition syndrome. Identifiers: Orphanet 289539, MedGen C3280492, MONDO:0013692, OMIM 614327.

Allele frequency attached by ClinVar (database versions not stated): ExAC 0.00001; gnomAD exomes 0.00001.
gnomAD v4.1: 4 of 1,613,696 alleles (0.00025%); highest among the groups gnomAD compares: Admixed American, 0.0017%; no homozygotes.

Submissions (4):

Labcorp Genetics (formerly Invitae), Labcorp
Classification: Uncertain significance for BAP1-related tumor predisposition syndrome. Last evaluated: 2025-12-22. Review status: criteria provided, single submitter. Criteria: Invitae Variant Classification Sherloc (09022015). Collection method: clinical testing. Allele origin: germline.
Comment: This sequence change replaces isoleucine, which is neutral and non-polar, with valine, which is neutral and non-polar, at codon 499 of the BAP1 protein (p.Ile499Val). This variant is present in population databases (rs775760293, gnomAD 0.003%). This variant has not been reported in the literature in individuals affected with BAP1-related conditions. ClinVar contains an entry for this variant (Variation ID: 1019014). Invitae Evidence Modeling of protein sequence and biophysical properties (such as structural, functional, and spatial information, amino acid conservation, physicochemical variation, residue mobility, and thermodynamic stability) indicates that this missense variant is not expected to disrupt BAP1 protein function with a negative predictive value of 80%. In summary, the available evidence is currently insufficient to determine the role of this variant in disease. Therefore, it has been classified as a Variant of Uncertain Significance.

Ambry Genetics
Classification: Likely benign for Hereditary cancer-predisposing syndrome. Last evaluated: 2024-11-07. Review status: criteria provided, single submitter. Criteria: Ambry Variant Classification Scheme 2023. Collection method: clinical testing. Allele origin: germline.

Myriad Genetics, Inc.
Classification: Likely benign for BAP1-related tumor predisposition syndrome. Last evaluated: 2024-07-16. Review status: criteria provided, single submitter. Criteria: Myriad Autosomal Dominant, Autosomal Recessive and X-Linked Classification Criteria (2023). Collection method: clinical testing. Allele origin: unknown.
Comment: This variant is considered likely benign. This variant has been observed at a population frequency that is significantly greater than expected given the associated disease prevalence and penetrance.

Baylor Genetics
Classification: Uncertain significance for BAP1-related tumor predisposition syndrome. Last evaluated: 2023-10-18. Review status: criteria provided, single submitter. Criteria: ACMG Guidelines, 2015. Collection method: clinical testing. Allele origin: unknown.

Literature cited by the submitters: PubMed 38969833 (cited by Ambry Genetics).